The following is an entry in ClinVar:

ClinVar aggregate classification (germline): Uncertain significance (1 of 4 stars; one submission).

Submission:

Labcorp Genetics (formerly Invitae), Labcorp
Classification: Uncertain significance. Last evaluated: 2026-01-07. Review status: criteria provided, single submitter. Criteria: Invitae Variant Classification Sherloc (09022015). Collection method: clinical testing. Allele origin: germline.
Comment: This sequence change replaces glutamic acid, which is acidic and polar, with valine, which is neutral and non-polar, at codon 385 of the TCIRG1 protein (p.Glu385Val). This variant is not present in population databases (gnomAD no frequency). This variant has not been reported in the literature in individuals affected with TCIRG1-related conditions. Invitae Evidence Modeling of protein sequence and biophysical properties (such as structural, functional, and spatial information, amino acid conservation, physicochemical variation, residue mobility, and thermodynamic stability) indicates that this missense variant is expected to disrupt TCIRG1 protein function with a positive predictive value of 80%. In summary, the available evidence is currently insufficient to determine the role of this variant in disease. Therefore, it has been classified as a Variant of Uncertain Significance.

NM_006019.4(TCIRG1):c.1154A>T (p.Glu385Val)

Gene: TCIRG1 (T cell immune regulator 1, ATPase H+ transporting V0 subunit a3; plus strand). Cytogenetic location: 11q13.2.
Variant type: single nucleotide variant.
Coding change: c.1154A>T on transcript NM_006019.4 (MANE Select); coding-DNA position 1154, A replaced by T.
Protein change: p.Glu385Val; replaces glutamic acid 385 with valine.
Molecular consequence: missense variant. On other transcripts: intron variant (1).
Genome position (GRCh38, 1-based): chr11:68,045,091, A>T. VCF-style: chr11-68045091-A-T. GRCh37 (hg19) VCF-style: chr11-67812558-A-T.
Other names: c.1154A>T, p.Glu385Val (NM_001440554.1, NM_001440557.1, NM_001440558.1 and 2 more transcripts); c.1112A>T, p.Glu371Val (NM_001440555.1, NM_001440556.1, NM_001440563.1); c.941A>T, p.Glu314Val (NM_001440559.1, NM_001440560.1, NM_001440561.1 and 3 more transcripts); c.899A>T, p.Glu300Val (NM_001440564.1); c.854A>T, p.Glu285Val (NM_001440565.1); c.686A>T, p.Glu229Val (NM_001440568.1); c.506A>T, p.Glu169Val (NM_006053.4); c.503+2060A>T (NM_001440569.1); and 1 more; short protein forms E385V, E87V, E169V, E314V, E371V, E229V, E285V, E300V.
Identifiers: ClinVar variation 4696347 (VCV004696347.1).